The following is an entry in ClinVar:

NM_012418.4(FSCN2):c.616C>A (p.Pro206Thr)

Gene: FSCN2 (fascin actin-bundling protein 2, retinal; plus strand). Cytogenetic location: 17q25.3.
Variant type: single nucleotide variant.
Coding change: c.616C>A on transcript NM_012418.4 (MANE Select); coding-DNA position 616, C replaced by A.
Protein change: p.Pro206Thr; replaces proline 206 with threonine.
Molecular consequence: missense variant.
Genome position (GRCh38, 1-based): chr17:81,529,147, C>A. VCF-style: chr17-81529147-C-A. GRCh37 (hg19) VCF-style: chr17-79496173-C-A.
Other names: c.616C>A, p.Pro206Thr (NM_001077182.3); short protein forms P206T.
Identifiers: ClinVar variation 1047203 (VCV001047203.8), dbSNP rs782121466, ClinGen allele CA401472038.

ClinVar aggregate classification (germline): Uncertain significance (1 of 4 stars; one submission).

gnomAD v4.1: 1 of 1,584,864 alleles (0.000063%); highest among the groups gnomAD compares: Non-Finnish European, 0.000086%; no homozygotes.

Submission:

Labcorp Genetics (formerly Invitae), Labcorp
Classification: Uncertain significance. Last evaluated: 2023-11-06. Review status: criteria provided, single submitter. Criteria: Invitae Variant Classification Sherloc (09022015). Collection method: clinical testing. Allele origin: germline.
Comment: This sequence change replaces proline, which is neutral and non-polar, with threonine, which is neutral and polar, at codon 206 of the FSCN2 protein (p.Pro206Thr). This variant is not present in population databases (gnomAD no frequency). This variant has not been reported in the literature in individuals affected with FSCN2-related conditions. ClinVar contains an entry for this variant (Variation ID: 1047203). An algorithm developed to predict the effect of missense changes on protein structure and function (PolyPhen-2) suggests that this variant is likely to be tolerated. In summary, the available evidence is currently insufficient to determine the role of this variant in disease. Therefore, it has been classified as a Variant of Uncertain Significance.